The following is an entry in ClinVar:

NM_016139.4(CHCHD2):c.65T>C (p.Met22Thr)

Gene: CHCHD2 (coiled-coil-helix-coiled-coil-helix domain containing 2; minus strand). Cytogenetic location: 7p11.2.
Variant type: single nucleotide variant.
Coding change: c.65T>C on transcript NM_016139.4 (MANE Select); coding-DNA position 65, T replaced by C.
Protein change: p.Met22Thr; replaces methionine 22 with threonine.
Molecular consequence: missense variant.
Genome position (GRCh38, 1-based): chr7:56,104,461, A>G on the plus strand (T>C on the coding strand, the complement: CHCHD2 is on the minus strand). VCF-style: chr7-56104461-A-G. GRCh37 (hg19) VCF-style: chr7-56172154-A-G.
Other names: c.65T>C, p.Met22Thr (NM_001320327.2); short protein forms M22T.
Identifiers: ClinVar variation 2985900 (VCV002985900.3), dbSNP rs757118379, ClinGen allele CA4270586.

ClinVar aggregate classification (germline): Uncertain significance (1 of 4 stars; one submission).

Allele frequency attached by ClinVar (database versions not stated): gnomAD exomes below 0.00001; ExAC 0.00001; gnomAD 0.00001.
gnomAD v4.1: 2 of 1,586,342 alleles (0.00013%); highest among the groups gnomAD compares: Non-Finnish European, 0.00017%; no homozygotes.

Submission:

Labcorp Genetics (formerly Invitae), Labcorp
Classification: Uncertain significance. Last evaluated: 2023-07-05. Review status: criteria provided, single submitter. Criteria: Invitae Variant Classification Sherloc (09022015). Collection method: clinical testing. Allele origin: germline.
Comment: In summary, the available evidence is currently insufficient to determine the role of this variant in disease. Therefore, it has been classified as a Variant of Uncertain Significance. Experimental studies and prediction algorithms are not available or were not evaluated, and the functional significance of this variant is currently unknown. This variant has not been reported in the literature in individuals affected with CHCHD2-related conditions. This variant is present in population databases (rs757118379, gnomAD 0.001%). This sequence change replaces methionine, which is neutral and non-polar, with threonine, which is neutral and polar, at codon 22 of the CHCHD2 protein (p.Met22Thr).